The following is an entry in ClinVar:

ClinVar aggregate classification (germline): Likely benign (1 of 4 stars; one submission).

gnomAD v4.1: 2 of 1,598,648 alleles (0.00013%); highest among the groups gnomAD compares: Non-Finnish European, 0.00017%; no homozygotes.

Submission:

GeneDx
Classification: Likely benign. Last evaluated: 2018-02-08. Review status: criteria provided, single submitter. Criteria: GeneDx Variant Classification (06012015). Collection method: clinical testing. Allele origin: germline. Affected: yes.
Comment: This variant is considered likely benign or benign based on one or more of the following criteria: it is a conservative change, it occurs at a poorly conserved position in the protein, it is predicted to be benign by multiple in silico algorithms, and/or has population frequency not consistent with disease.

NM_014324.6(AMACR):c.136T>C (p.Leu46=)

Genes: C1QTNF3-AMACR (C1QTNF3-AMACR readthrough (NMD candidate); minus strand), AMACR (alpha-methylacyl-CoA racemase; minus strand). Cytogenetic location: 5p13.2.
Variant type: single nucleotide variant.
Coding change: c.136T>C on transcript NM_014324.6 (MANE Select); coding-DNA position 136, T replaced by C.
Protein change: p.Leu46=; no amino-acid change (leucine 46 retained).
Molecular consequence: synonymous variant.
Genome position (GRCh38, 1-based): chr5:34,007,884, A>G on the plus strand (T>C on the coding strand, the complement: AMACR is on the minus strand). VCF-style: chr5-34007884-A-G. GRCh37 (hg19) VCF-style: chr5-34007989-A-G.
Other names: c.136T>C, p.Leu46= (NM_001167595.2, NM_203382.3).
Identifiers: ClinVar variation 515101 (VCV000515101.1), dbSNP rs1374240770, ClinGen allele CA443872465.
Genomic context (GRCh38, chr5:34,007,884, plus strand): 5'-GCACGGCGGCTCCCCGCGGCTGCTTCAGGTCCAGCACTAGCGAGCGCTTGCCCCGGCCCA[A>G]GCGGCTCACGTCGTAGCGGGAGCCGGGCCGGTCCACGCGTACCACACGCGCCCCGAAGTC-3'
Protein context (NP_055139.4, residues 36-56): RPGSRYDVSR[Leu46=]GRGKRSLVLD